The following is an entry in ClinVar:

ClinVar aggregate classification (germline): Uncertain significance (1 of 4 stars; one submission).

Conditions:
Gastrointestinal stromal tumor. Also called: Gastrointestinal stromal tumor, somatic; Gastrointestinal stroma tumor. Identifiers: Orphanet 44890, MedGen C0238198, MeSH D046152, MONDO:0011719, OMIM 606764, HP:0100723.

Submission:

Labcorp Genetics (formerly Invitae), Labcorp
Classification: Uncertain significance for Gastrointestinal stromal tumor. Last evaluated: 2024-11-06. Review status: criteria provided, single submitter. Criteria: Invitae Variant Classification Sherloc (09022015). Collection method: clinical testing. Allele origin: germline.
Comment: This sequence change falls in intron 20 of the KIT gene. It does not directly change the encoded amino acid sequence of the KIT protein. It affects a nucleotide within the consensus splice site. This variant is not present in population databases (gnomAD no frequency). This variant has not been reported in the literature in individuals affected with KIT-related conditions. Variants that disrupt the consensus splice site are a relatively common cause of aberrant splicing (PMID: 17576681, 9536098). Algorithms developed to predict the effect of sequence changes on RNA splicing suggest that this variant may disrupt the consensus splice site. In summary, the available evidence is currently insufficient to determine the role of this variant in disease. Therefore, it has been classified as a Variant of Uncertain Significance.

Literature cited by the submitters: PubMed 17576681; PubMed 9536098.

NM_000222.3(KIT):c.2802+6T>C

Gene: KIT (KIT proto-oncogene, receptor tyrosine kinase; plus strand). Cytogenetic location: 4q12.
Variant type: single nucleotide variant.
Coding change: c.2802+6T>C on transcript NM_000222.3 (MANE Select); 6 bases into the intron after coding-DNA position 2802, T replaced by C.
Molecular consequence: intron variant.
Genome position (GRCh38, 1-based): chr4:54,737,286, T>C. VCF-style: chr4-54737286-T-C. GRCh37 (hg19) VCF-style: chr4-55603452-T-C.
Other names: c.2805+6T>C (NM_001385284.1); c.2802+6T>C (NM_001385290.1); c.2793+6T>C (NM_001385288.1); c.2790+6T>C (NM_001385292.1, NM_001093772.2); c.2799+6T>C (NM_001385285.1); c.2787+6T>C (NM_001385286.1).
Identifiers: ClinVar variation 3673919 (VCV003673919.2).